The following is an entry in ClinVar:

NM_001258392.3(CLPB):c.689A>T (p.Asn230Ile)

Gene: CLPB (ClpB family mitochondrial disaggregase; minus strand). Cytogenetic location: 11q13.4.
Variant type: single nucleotide variant.
Coding change: c.689A>T on transcript NM_001258392.3 (MANE Select); coding-DNA position 689, A replaced by T.
Protein change: p.Asn230Ile; replaces asparagine 230 with isoleucine.
Molecular consequence: missense variant.
Genome position (GRCh38, 1-based): chr11:72,358,966, T>A on the plus strand (A>T on the coding strand, the complement: CLPB is on the minus strand). VCF-style: chr11-72358966-T-A. GRCh37 (hg19) VCF-style: chr11-72070010-T-A.
Other names: c.602A>T, p.Asn201Ile (NM_001258393.3); c.644A>T, p.Asn215Ile (NM_001258394.3); c.779A>T, p.Asn260Ile (NM_030813.6); short protein forms N215I, N230I, N201I, N260I.
Identifiers: ClinVar variation 2709073 (VCV002709073.3), dbSNP rs2495562819, ClinGen allele CA381962274.

ClinVar aggregate classification (germline): Uncertain significance (1 of 4 stars; one submission).

Conditions:
3-methylglutaconic aciduria, type VIIB (MGCA7B). Also called: CLPB Deficiency; 3-methylglutaconic aciduria with cataracts, neurologic involvement and neutropenia; 3-methylglutaconic aciduria, type VII, with cataracts, neurologic involvement and neutropenia. Identifiers: Orphanet 445038, MedGen C5676893, MONDO:0014561, OMIM 616271.

Submission:

Labcorp Genetics (formerly Invitae), Labcorp
Classification: Uncertain significance for 3-methylglutaconic aciduria, type VIIB. Last evaluated: 2024-01-24. Review status: criteria provided, single submitter. Criteria: Invitae Variant Classification Sherloc (09022015). Collection method: clinical testing. Allele origin: germline.
Comment: This sequence change replaces asparagine, which is neutral and polar, with isoleucine, which is neutral and non-polar, at codon 260 of the CLPB protein (p.Asn260Ile). This variant is not present in population databases (gnomAD no frequency). This variant has not been reported in the literature in individuals affected with CLPB-related conditions. An algorithm developed to predict the effect of missense changes on protein structure and function (PolyPhen-2) suggests that this variant is likely to be tolerated. In summary, the available evidence is currently insufficient to determine the role of this variant in disease. Therefore, it has been classified as a Variant of Uncertain Significance.